The following is an entry in ClinVar:

NM_000443.4(ABCB4):c.1894-60AC[17]

Gene: ABCB4 (ATP binding cassette subfamily B member 4; minus strand). Cytogenetic location: 7q21.12.
Variant type: Microsatellite.
Coding change: c.1894-60AC[17] on transcript NM_000443.4 (MANE Select); 17 copies in a row of the 2-base unit AC starting at c.1894-60; the reference has 18 copies in a row; one copy, 2 bases deleted.
Molecular consequence: intron variant.
Genome position (GRCh38, 1-based): chr7:87,426,945-87,426,946, GT deleted on the plus strand (AC on the coding strand, the reverse complement: ABCB4 is on the minus strand); deleting any 2 consecutive bases within chr7:87,426,945-87,426,980 gives the same sequence; the position shown is the placement nearest the transcript's 3' end. VCF-style (leftmost placement, unchanged base first): chr7-87426944-AGT-A. GRCh37 (hg19) VCF-style: chr7-87056260-AGT-A.
Other names: p.?; c.1894-60AC[17] (NM_018850.3, NM_018849.3); c.1894-26_1894-25del (NM_000443.4).
Identifiers: ClinVar variation 4683284 (VCV004683284.1).

ClinVar aggregate classification (germline): Likely benign (1 of 4 stars; one submission).

Submission:

Mayo Clinic Laboratories, Mayo Clinic
Classification: Likely benign. Last evaluated: 2025-01-06. Review status: criteria provided, single submitter. Criteria: ACMG Guidelines, 2015. Collection method: clinical testing. Allele origin: germline. Observed: 50 variant alleles.
Comment: BP4, BP7